The following is an entry in ClinVar:

ClinVar aggregate classification (germline): Uncertain significance (1 of 4 stars; one submission).

Conditions:
Baller-Gerold syndrome (BGS). Also called: CRANIOSYNOSTOSIS WITH RADIAL DEFECTS. Identifiers: Orphanet 1225, MedGen C0265308, MONDO:0009039, OMIM 218600.

Submission:

Labcorp Genetics (formerly Invitae), Labcorp
Classification: Uncertain significance for Baller-Gerold syndrome. Last evaluated: 2020-07-02. Review status: criteria provided, single submitter. Criteria: Invitae Variant Classification Sherloc (09022015). Collection method: clinical testing. Allele origin: germline.
Comment: This variant results in a copy number gain of the genomic region encompassing exon(s) 1-18 of the RECQL4 gene, which includes the initiator codon. The 5' end of this event is unknown as it extends beyond the assayed region for this gene and therefore may encompass additional genes. The 3' boundary is likely confined to intron 18 of the RECQL4 gene. As the precise location of this event is unknown, it may be in tandem or it may be located elsewhere in the genome. This variant has not been reported in the literature in individuals with RECQL4-related conditions. Experimental studies and prediction algorithms are not available or were not evaluated, and the functional significance of this variant is currently unknown. In summary, the available evidence is currently insufficient to determine the role of this variant in disease. Therefore, it has been classified as a Variant of Uncertain Significance.

NC_000008.10:g.(?_145737517)_(145743168_?)dup

Gene: RECQL4 (RecQ like helicase 4; minus strand). Cytogenetic location: 8q24.3.
Variant type: Duplication.
Identifiers: ClinVar variation 1040442 (VCV001040442.4).